The following is an entry in ClinVar:

NM_001029883.3(PCARE):c.3407C>T (p.Pro1136Leu)

Gene: PCARE (photoreceptor cilium actin regulator; minus strand). Cytogenetic location: 2p23.2.
Variant type: single nucleotide variant.
Coding change: c.3407C>T on transcript NM_001029883.3 (MANE Select); coding-DNA position 3407, C replaced by T.
Protein change: p.Pro1136Leu; replaces proline 1136 with leucine.
Molecular consequence: missense variant.
Genome position (GRCh38, 1-based): chr2:29,070,855, G>A on the plus strand (C>T on the coding strand, the complement: PCARE is on the minus strand). VCF-style: chr2-29070855-G-A. GRCh37 (hg19) VCF-style: chr2-29293721-G-A.
Other names: short protein forms P1136L.
Identifiers: ClinVar variation 841561 (VCV000841561.8), dbSNP rs1293160620, ClinGen allele CA346475004.

ClinVar aggregate classification (germline): Uncertain significance. Review status: criteria provided, multiple submitters, no conflicts (2 of 4 stars). 2 submissions from 2 submitters: Uncertain significance (2). Last evaluated 2024-08-19.

Allele frequency attached by ClinVar (database versions not stated): TOPMed below 0.00001; gnomAD 0.00001; gnomAD exomes 0.00001 and 0.00004.
gnomAD v4.1: 59 of 1,613,840 alleles (0.0037%); highest among the groups gnomAD compares: Non-Finnish European, 0.0049%; no homozygotes.

Submissions (2):

Blueprint Genetics
Classification: Uncertain significance. Last evaluated: 2024-08-19. Review status: criteria provided, single submitter. Criteria: ACMG Guidelines, 2015. Collection method: clinical testing. Allele origin: germline.

Labcorp Genetics (formerly Invitae), Labcorp
Classification: Uncertain significance. Last evaluated: 2022-02-03. Review status: criteria provided, single submitter. Criteria: Invitae Variant Classification Sherloc (09022015). Collection method: clinical testing. Allele origin: germline.
Comment: This sequence change replaces proline, which is neutral and non-polar, with leucine, which is neutral and non-polar, at codon 1136 of the PCARE protein (p.Pro1136Leu). This variant is present in population databases (no rsID available, gnomAD 0.002%). This variant has not been reported in the literature in individuals affected with PCARE-related conditions. ClinVar contains an entry for this variant (Variation ID: 841561). Algorithms developed to predict the effect of missense changes on protein structure and function output the following: SIFT: "Deleterious"; PolyPhen-2: "Possibly Damaging"; Align-GVGD: "Class C15". The leucine amino acid residue is found in multiple mammalian species, which suggests that this missense change does not adversely affect protein function. In summary, the available evidence is currently insufficient to determine the role of this variant in disease. Therefore, it has been classified as a Variant of Uncertain Significance.